The following is an entry in ClinVar:

ClinVar aggregate classification (germline): Likely pathogenic (1 of 4 stars; one submission).

Conditions:
Propionic acidemia (PROP). Also called: GLYCINEMIA, KETOTIC; HYPERGLYCINEMIA WITH KETOACIDOSIS AND LEUKOPENIA; KETOTIC HYPERGLYCINEMIA. Identifiers: Orphanet 35, MedGen C0268579, MONDO:0011628, OMIM 606054, HP:0003571.

Submission:

Labcorp Genetics (formerly Invitae), Labcorp
Classification: Likely pathogenic for Propionic acidemia. Last evaluated: 2021-07-06. Review status: criteria provided, single submitter. Criteria: Invitae Variant Classification Sherloc (09022015). Collection method: clinical testing. Allele origin: germline.
Comment: This sequence change affects a donor splice site in intron 5 of the PCCA gene. It is expected to disrupt RNA splicing. Variants that disrupt the donor or acceptor splice site typically lead to a loss of protein function (PMID: 16199547), and loss-of-function variants in PCCA are known to be pathogenic (PMID: 15464417). This variant is not present in population databases (ExAC no frequency). This variant has not been reported in the literature in individuals affected with PCCA-related conditions. Algorithms developed to predict the effect of sequence changes on RNA splicing suggest that this variant may disrupt the consensus splice site. In summary, the currently available evidence indicates that the variant is pathogenic, but additional data are needed to prove that conclusively. Therefore, this variant has been classified as Likely Pathogenic.

Literature cited by the submitters: PubMed 16199547; PubMed 15464417.

NM_000282.4(PCCA):c.414+1G>T

Gene: PCCA (propionyl-CoA carboxylase subunit alpha; plus strand). Cytogenetic location: 13q32.3.
Variant type: single nucleotide variant.
Coding change: c.414+1G>T on transcript NM_000282.4 (MANE Select); the canonical splice donor site of the intron after coding-DNA position 414, G replaced by T.
Molecular consequence: splice donor variant.
Genome position (GRCh38, 1-based): chr13:100,155,093, G>T. VCF-style: chr13-100155093-G-T. GRCh37 (hg19) VCF-style: chr13-100807347-G-T.
Other names: c.414+1G>T (NM_001178004.2, NM_001352605.2, NM_001352606.2 and 1 more transcripts); c.-453+1G>T (NM_001352610.2, NM_001352611.2, NM_001352612.2); c.336+1G>T (NM_001127692.3, NM_001352607.2, NM_001352608.2).
Identifiers: ClinVar variation 1482026 (VCV001482026.6), dbSNP rs2152383049, ClinGen allele CA388693802.